The following is an entry in ClinVar:

NM_001142800.2(EYS):c.4640A>G (p.Asp1547Gly)

Gene: EYS (EGF-like photoreceptor maintenance factor; minus strand). Cytogenetic location: 6q12.
Variant type: single nucleotide variant.
Coding change: c.4640A>G on transcript NM_001142800.2 (MANE Select); coding-DNA position 4640, A replaced by G.
Protein change: p.Asp1547Gly; replaces aspartic acid 1547 with glycine.
Molecular consequence: missense variant.
Genome position (GRCh38, 1-based): chr6:64,591,227, T>C on the plus strand (A>G on the coding strand, the complement: EYS is on the minus strand). VCF-style: chr6-64591227-T-C. GRCh37 (hg19) VCF-style: chr6-65301120-T-C.
Other names: c.4640A>G, p.Asp1547Gly (NM_001292009.2); short protein forms D1547G.
Identifiers: ClinVar variation 971681 (VCV000971681.6), dbSNP rs1010782574, ClinGen allele CA140340939.

ClinVar aggregate classification (germline): Uncertain significance. Review status: criteria provided, multiple submitters, no conflicts (2 of 4 stars). 4 submissions from 4 submitters: Uncertain significance (3). 1 of the submissions does not count toward it. Last evaluated 2024-02-20.

Conditions:
Inborn genetic diseases. Identifiers: MedGen C0950123, MeSH D030342.
Autosomal recessive retinitis pigmentosa. Identifiers: MedGen C0339526.

Allele frequency attached by ClinVar (database versions not stated): gnomAD exomes 0.00001 and 0.00003; gnomAD 0.00013 and 0.00014; TOPMed 0.00032.
gnomAD v4.1: 32 of 1,551,312 alleles (0.0021%); highest among the groups gnomAD compares: Admixed American, 0.049%; no homozygotes.

Submissions (4):

Blueprint Genetics
Classification: Uncertain significance. Last evaluated: 2024-02-20. Review status: criteria provided, single submitter. Criteria: ACMG Guidelines, 2015. Collection method: clinical testing. Allele origin: germline.

Ambry Genetics
Classification: Uncertain significance for Inborn genetic diseases. Last evaluated: 2023-09-26. Review status: criteria provided, single submitter. Criteria: Ambry Variant Classification Scheme 2023. Collection method: clinical testing. Allele origin: germline.

Labcorp Genetics (formerly Invitae), Labcorp
Classification: Uncertain significance. Last evaluated: 2022-10-25. Review status: criteria provided, single submitter. Criteria: Invitae Variant Classification Sherloc (09022015). Collection method: clinical testing. Allele origin: germline.
Comment: This sequence change replaces aspartic acid, which is acidic and polar, with glycine, which is neutral and non-polar, at codon 1547 of the EYS protein (p.Asp1547Gly). This variant is present in population databases (no rsID available, gnomAD 0.01%). This variant has not been reported in the literature in individuals affected with EYS-related conditions. ClinVar contains an entry for this variant (Variation ID: 971681). Advanced modeling of protein sequence and biophysical properties (such as structural, functional, and spatial information, amino acid conservation, physicochemical variation, residue mobility, and thermodynamic stability) has been performed at Invitae for this missense variant, however the output from this modeling did not meet the statistical confidence thresholds required to predict the impact of this variant on EYS protein function. In summary, the available evidence is currently insufficient to determine the role of this variant in disease. Therefore, it has been classified as a Variant of Uncertain Significance.

Natera, Inc.
Classification: Uncertain significance for Autosomal recessive retinitis pigmentosa. Last evaluated: 2020-09-17. Review status: no assertion criteria provided. Collection method: clinical testing. Allele origin: germline. Not counted in ClinVar's aggregate classification.